The following is an entry in ClinVar:

NM_001371928.1(AHDC1):c.94C>A (p.Pro32Thr)

Gene: AHDC1 (AT-hook DNA binding motif containing 1; minus strand). Cytogenetic location: 1p36.11.
Variant type: single nucleotide variant.
Coding change: c.94C>A on transcript NM_001371928.1 (MANE Select); coding-DNA position 94, C replaced by A.
Protein change: p.Pro32Thr; replaces proline 32 with threonine.
Molecular consequence: missense variant.
Genome position (GRCh38, 1-based): chr1:27,552,022, G>T on the plus strand (C>A on the coding strand, the complement: AHDC1 is on the minus strand). VCF-style: chr1-27552022-G-T. GRCh37 (hg19) VCF-style: chr1-27878533-G-T.
Other names: c.94C>A, p.Pro32Thr (NM_001029882.3); short protein forms P32T.
Identifiers: ClinVar variation 1902390 (VCV001902390.5), dbSNP rs527817056, ClinGen allele CA19879767.

ClinVar aggregate classification (germline): Uncertain significance (1 of 4 stars; one submission).

Allele frequency attached by ClinVar (database versions not stated): 1000 Genomes Project 0.00020.
gnomAD v4.1: 8 of 952,692 alleles (0.00084%); highest among the groups gnomAD compares: Admixed American, 0.022%; no homozygotes.

Submission:

Labcorp Genetics (formerly Invitae), Labcorp
Classification: Uncertain significance. Last evaluated: 2024-12-02. Review status: criteria provided, single submitter. Criteria: Invitae Variant Classification Sherloc (09022015). Collection method: clinical testing. Allele origin: germline.
Comment: This sequence change replaces proline, which is neutral and non-polar, with threonine, which is neutral and polar, at codon 32 of the AHDC1 protein (p.Pro32Thr). This variant is not present in population databases (gnomAD no frequency). This variant has not been reported in the literature in individuals affected with AHDC1-related conditions. ClinVar contains an entry for this variant (Variation ID: 1902390). An algorithm developed to predict the effect of missense changes on protein structure and function (PolyPhen-2) suggests that this variant is likely to be disruptive. In summary, the available evidence is currently insufficient to determine the role of this variant in disease. Therefore, it has been classified as a Variant of Uncertain Significance.